The following is an entry in ClinVar:

NM_001388303.1(HECTD4):c.4514-6_4520del

Gene: HECTD4 (HECT domain E3 ubiquitin protein ligase 4; minus strand). Cytogenetic location: 12q24.13.
Variant type: Deletion.
Coding change: c.4514-6_4520del on transcript NM_001388303.1 (MANE Select); 6 bases into the intron before coding-DNA position 4514 through coding-DNA position 4520, 13 bases deleted (TTCTAGCTTGTAA).
Molecular consequence: splice acceptor variant.
Genome position (GRCh38, 1-based): chr12:112,244,003-112,244,015, TTACAAGCTAGAA deleted on the plus strand (TTCTAGCTTGTAA on the coding strand, the reverse complement: HECTD4 is on the minus strand). VCF-style (leftmost placement, unchanged base first): chr12-112244002-TTTACAAGCTAGAA-T. GRCh37 (hg19) VCF-style: chr12-112681806-TTTACAAGCTAGAA-T.
Other names: c.4544-6_4550del (NM_001109662.4).
Identifiers: ClinVar variation 5003174 (VCV005003174.1).
Genomic context (GRCh38, chr12:112,244,002, plus strand): 5'-GCTGCGAAGAAAAACAGGCTGCCTGACAGCGTGAGATATCACTTTTGTTTCAGAAGCTGA[TTTACAAGCTAGAA>T]AAAAAAGGAATAAAAAGGCTGACATTTCTGCTATCTGTACAACAGCCAAATGCAACACAG-3'

ClinVar aggregate classification (germline): Likely pathogenic (1 of 4 stars; one submission).

Conditions:
Neurodevelopmental disorder with seizures, spasticity, and complete or partial agenesis of the corpus callosum (NEDSSCC). Identifiers: MedGen C5830296, MONDO:0859516, OMIM 620250.

Submission:

OLLIN Analises Genomicas, OLLIN
Classification: Likely pathogenic for Neurodevelopmental disorder with seizures, spasticity, and complete or partial agenesis of the corpus callosum. Last evaluated: 2026-08-06. Review status: criteria provided, single submitter. Criteria: ACMG Guidelines 2015 PMID 25741868. Collection method: clinical testing. Allele origin: germline. Inheritance: Autosomal recessive inheritance.
Comment: This variant, located at the canonical splicing site (splice acceptor), located in exon 30 (of 76), has been observed in gnomAD with an allele frequency of 0.018%, but has not been reported in ClinVar or identified in the literature. This variant is predicted to disrupt a canonical splice site, potentially leading to exon skipping, mRNA degradation via nonsense-mediated decay (NMD), or production of a truncated protein. According to the currently available evidence, this variant has been classified as likely pathogenic (PVS1, PM2_P).